The following is an entry in ClinVar:

NM_001365276.2(TNXB):c.9188T>C (p.Leu3063Pro)

Gene: TNXB (tenascin XB; minus strand). Cytogenetic location: 6p21.33.
Variant type: single nucleotide variant.
Coding change: c.9188T>C on transcript NM_001365276.2 (MANE Select); coding-DNA position 9188, T replaced by C.
Protein change: p.Leu3063Pro; replaces leucine 3063 with proline.
Molecular consequence: missense variant.
Genome position (GRCh38, 1-based): chr6:32,050,249, A>G on the plus strand (T>C on the coding strand, the complement: TNXB is on the minus strand). VCF-style: chr6-32050249-A-G. GRCh37 (hg19) VCF-style: chr6-32018026-A-G.
Other names: c.9182T>C, p.Leu3061Pro (NM_019105.8); short protein forms L3061P, L3063P.
Identifiers: ClinVar variation 3327855 (VCV003327855.1).

ClinVar aggregate classification (germline): Uncertain significance (1 of 4 stars; one submission).

Conditions:
Cardiovascular phenotype. Identifiers: MedGen CN230736.

gnomAD v4.1: 16 of 1,613,506 alleles (0.00099%); highest among the groups gnomAD compares: African/African-American, 0.0013%; no homozygotes.

Submission:

Ambry Genetics
Classification: Uncertain significance for Cardiovascular phenotype. Last evaluated: 2024-03-16. Review status: criteria provided, single submitter. Criteria: Ambry Variant Classification Scheme 2023. Collection method: clinical testing. Allele origin: germline.
Comment: The p.L3061P variant (also known as c.9182T>C), located in coding exon 26 of the TNXB gene, results from a T to C substitution at nucleotide position 9182. The leucine at codon 3061 is replaced by proline, an amino acid with similar properties. This amino acid position is conserved. In addition, this alteration is predicted to be tolerated by in silico analysis. Based on the available evidence, the clinical significance of this alteration remains unclear.